The following is an entry in ClinVar:

ClinVar aggregate classification (germline): Likely benign. Review status: criteria provided, single submitter (1 of 4 stars). 2 submissions from 2 submitters: Likely benign (1). 1 of the submissions does not count toward it. Last evaluated 2026-01-27.

Conditions:
POMGNT2-related disorder. Also called: POMGNT2-related condition.
Muscular dystrophy-dystroglycanopathy (congenital with brain and eye anomalies), type a, 8 (MDDGA8). Also called: WALKER-WARBURG SYNDROME OR MUSCLE-EYE-BRAIN DISEASE, GTDC2-RELATED. Identifiers: Orphanet 899, MedGen C3553813, MONDO:0013904, OMIM 614830.

Allele frequency attached by ClinVar (database versions not stated): TOPMed 0.00008; gnomAD 0.00010; 1000 Genomes Project 30x 0.00141; 1000 Genomes Project 0.00180.
gnomAD v4.1: 97 of 1,614,178 alleles (0.006%); highest among the groups gnomAD compares: East Asian, 0.036%; no homozygotes.

Submissions (2):

Labcorp Genetics (formerly Invitae), Labcorp
Classification: Likely benign for Muscular dystrophy-dystroglycanopathy (congenital with brain and eye anomalies), type a, 8. Last evaluated: 2026-01-27. Review status: criteria provided, single submitter. Criteria: Invitae Variant Classification Sherloc (09022015). Collection method: clinical testing. Allele origin: germline.

PreventionGenetics, part of Exact Sciences
Classification: Likely benign for POMGNT2-related condition. Last evaluated: 2023-09-01. Review status: no assertion criteria provided. Collection method: clinical testing. Allele origin: germline. Not counted in ClinVar's aggregate classification.
Comment: This variant is classified as likely benign based on ACMG/AMP sequence variant interpretation guidelines (Richards et al. 2015 PMID: 25741868, with internal and published modifications).

NM_032806.6(POMGNT2):c.1137G>A (p.Thr379=)

Gene: POMGNT2 (protein O-linked mannose N-acetylglucosaminyltransferase 2 (beta 1,4-); minus strand). Cytogenetic location: 3p22.1.
Variant type: single nucleotide variant.
Coding change: c.1137G>A on transcript NM_032806.6 (MANE Select); coding-DNA position 1137, G replaced by A.
Protein change: p.Thr379=; no amino-acid change (threonine 379 retained).
Molecular consequence: synonymous variant.
Genome position (GRCh38, 1-based): chr3:43,080,295, C>T on the plus strand (G>A on the coding strand, the complement: POMGNT2 is on the minus strand). VCF-style: chr3-43080295-C-T. GRCh37 (hg19) VCF-style: chr3-43121787-C-T.
Identifiers: ClinVar variation 715920 (VCV000715920.12), dbSNP rs377724350, ClinGen allele CA2339919.
Genomic context (GRCh38, chr3:43,080,295, plus strand): 5'-CTCTGGCATCATGTTCCGCCAGGCTACATACTGGAGGTCCATGCCAGGCAGCATGGCCAG[C>T]GTCTTATAGGGAGTGTAGTGGTCGGGATTGACAGCATATGGGAAGAGCTCTACCACAGTT-3'
Protein context (NP_116195.2, residues 369-389): VNPDHYTPYK[Thr379=]LAMLPGMDLQ